The following is an entry in ClinVar:

ClinVar aggregate classification (germline): Likely benign. Review status: criteria provided, multiple submitters, no conflicts (2 of 4 stars). 3 submissions from 3 submitters: Likely benign (3). Last evaluated 2025-10-27.

Conditions:
ESPN-related disorder. Also called: ESPN-related condition.

Allele frequency attached by ClinVar (database versions not stated): ExAC 0.00005; gnomAD 0.00007.
gnomAD v4.1: 19 of 1,610,972 alleles (0.0012%); highest among the groups gnomAD compares: African/African-American, 0.023%; no homozygotes.

Submissions (3):

Labcorp Genetics (formerly Invitae), Labcorp
Classification: Likely benign. Last evaluated: 2025-10-27. Review status: criteria provided, single submitter. Criteria: Invitae Variant Classification Sherloc (09022015). Collection method: clinical testing. Allele origin: germline.

PreventionGenetics, part of Exact Sciences
Classification: Likely benign for ESPN-related condition. Last evaluated: 2025-10-27. Review status: criteria provided, single submitter. Criteria: ACMG Guidelines, 2015. Collection method: clinical testing. Allele origin: germline.
Comment: This variant is classified as likely benign based on ACMG/AMP sequence variant interpretation guidelines (Richards et al. 2015 PMID: 25741868, with internal and published modifications).

GeneDx
Classification: Likely benign. Last evaluated: 2019-04-25. Review status: criteria provided, single submitter. Criteria: GeneDx Variant Classification Process June 2021. Collection method: clinical testing. Allele origin: germline. Affected: yes.

NM_031475.3(ESPN):c.2130G>T (p.Ala710=)

Gene: ESPN (espin; plus strand). Cytogenetic location: 1p36.31.
Variant type: single nucleotide variant.
Coding change: c.2130G>T on transcript NM_031475.3 (MANE Select); coding-DNA position 2130, G replaced by T.
Protein change: p.Ala710=; no amino-acid change (alanine 710 retained).
Molecular consequence: synonymous variant.
Genome position (GRCh38, 1-based): chr1:6,451,901, G>T. VCF-style: chr1-6451901-G-T. GRCh37 (hg19) VCF-style: chr1-6511961-G-T.
Other names: c.2040G>T, p.Ala680= (NM_001367473.1); c.2067G>T, p.Ala689= (NM_001367474.1).
Identifiers: ClinVar variation 1199568 (VCV001199568.5), dbSNP rs761467676, ClinGen allele CA560399.